The following is an entry in ClinVar:

NM_022124.6(CDH23):c.10045del (p.Leu3349fs)

Gene: CDH23 (cadherin related 23; plus strand). Cytogenetic location: 10q22.1.
Variant type: Deletion.
Coding change: c.10045del on transcript NM_022124.6 (MANE Select); coding-DNA position 10045, one base deleted (C; older notation c.10045delC).
Protein change: p.Leu3349fs; shifts the reading frame from leucine 3349.
Molecular consequence: frameshift variant.
Genome position (GRCh38, 1-based): chr10:71,815,258, C deleted; the last of 6 consecutive C bases (chr10:71,815,253-71,815,258); deleting any one gives the same sequence. VCF-style (leftmost placement, unchanged base first): chr10-71815252-AC-A. GRCh37 (hg19) VCF-style: chr10-73575009-AC-A.
Other names: c.3325del, p.Leu1109fs (NM_001171933.1); c.3220del, p.Leu1074fs (NM_001171934.1); c.736del, p.Leu246fs (NM_001171935.1); c.631del, p.Leu211fs (NM_001171936.1); short protein forms L3349fs, L211fs, L1074fs, L246fs, L1109fs.
Identifiers: ClinVar variation 1995115 (VCV001995115.4), dbSNP rs753173424, ClinGen allele CA2580081849.
Genomic context (GRCh38, chr10:71,815,252, plus strand): 5'-GCCCGCACAGAATCCGCCAAATCCACACCCCTGCACAAACTTCGCGACGTGATCATGGAG[AC>A]CCCCCTGGAGATCACAGAGCTGTGACTAGACAGGGAAGCCTTGTGGGTGTGAGCAGCACC-3'

ClinVar aggregate classification (germline): Uncertain significance (1 of 4 stars; one submission).

Submission:

Labcorp Genetics (formerly Invitae), Labcorp
Classification: Uncertain significance. Last evaluated: 2022-05-16. Review status: criteria provided, single submitter. Criteria: Invitae Variant Classification Sherloc (09022015). Collection method: clinical testing. Allele origin: germline.
Comment: This sequence change results in a frameshift in the CDH23 gene (p.Leu3349Trpfs*8). While this is not anticipated to result in nonsense mediated decay, it is expected to disrupt the last 6 amino acid(s) of the CDH23 protein and extend the protein by 1 additional amino acid residues. This variant is not present in population databases (gnomAD no frequency). This variant has not been reported in the literature in individuals affected with CDH23-related conditions. Experimental studies and prediction algorithms are not available or were not evaluated, and the functional significance of this variant is currently unknown. In summary, the available evidence is currently insufficient to determine the role of this variant in disease. Therefore, it has been classified as a Variant of Uncertain Significance.